The following is an entry in ClinVar:

NM_032383.5(HPS3):c.1234ACC[3] (p.Thr413_Leu414insThr)

Gene: HPS3 (HPS3 biogenesis of lysosomal organelles complex 2 subunit 1; plus strand). Cytogenetic location: 3q24.
Variant type: Microsatellite.
Coding change: c.1234ACC[3] on transcript NM_032383.5 (MANE Select); three copies in a row of the 3-base unit ACC starting at c.1234; the reference has two copies in a row; one copy, 3 bases duplicated.
Protein change: p.Thr413_Leu414insThr.
Molecular consequence: inframe insertion.
Genome position (GRCh38, 1-based): chr3:149,150,672-149,150,674, ACC duplicated; duplicating any 3 consecutive bases within chr3:149,150,668-149,150,674 gives the same sequence; the position shown is the placement nearest the transcript's 3' end. VCF-style (leftmost placement, unchanged base first): chr3-149150667-A-ACAC. GRCh37 (hg19) VCF-style: chr3-148868454-A-ACAC.
Other names: c.739ACC[3], p.Thr248_Leu249insThr (NM_001308258.2).
Identifiers: ClinVar variation 5004869 (VCV005004869.1).

ClinVar aggregate classification (germline): Uncertain significance (1 of 4 stars; one submission).

Conditions:
Hermansky-Pudlak syndrome 3 (HPS3). Identifiers: Orphanet 231512, Orphanet 79430, MedGen C3888001, MONDO:0013555, OMIM 614072.

Submission:

Myriad Genetics, Inc.
Classification: Uncertain significance for Hermansky-Pudlak syndrome 3. Last evaluated: 2026-08-24. Review status: criteria provided, single submitter. Criteria: Myriad Autosomal Dominant, Autosomal Recessive and X-Linked Classification Criteria (2023). Collection method: clinical testing. Allele origin: unknown.
Comment: NM_032383.3(HPS3):c.1237_1239dupACC(T413dup) is an in-frame insertion classified as a variant of uncertain significance in the context of Hermansky-Pudlak syndrome, HPS3-related. T413dup has not been observed in cases with relevant disease. Relevant functional assessments of this variant are not available in the literature. T413dup has been observed in referenced population frequency databases. In summary, there is insufficient evidence to classify NM_032383.3(HPS3):c.1237_1239dupACC(T413dup) as pathogenic or benign. Please note: this variant was assessed in the context of healthy population screening.